The following is an entry in ClinVar:

NM_001256627.2(BRSK2):c.916A>G (p.Met306Val)

Gene: BRSK2 (BR serine/threonine kinase 2; plus strand). Cytogenetic location: 11p15.5.
Variant type: single nucleotide variant.
Coding change: c.916A>G on transcript NM_001256627.2 (MANE Select); coding-DNA position 916, A replaced by G.
Protein change: p.Met306Val; replaces methionine 306 with valine.
Molecular consequence: missense variant. On other transcripts: non-coding transcript variant (1).
Genome position (GRCh38, 1-based): chr11:1,445,397, A>G. VCF-style: chr11-1445397-A-G. GRCh37 (hg19) VCF-style: chr11-1466627-A-G.
Other names: c.916A>G, p.Met306Val (NM_001256629.2, NM_003957.4); c.1054A>G, p.Met352Val (NM_001256630.1); c.736A>G, p.Met246Val (NM_001282218.2); short protein forms M246V, M306V, M352V.
Identifiers: ClinVar variation 3344618 (VCV003344618.1).

ClinVar aggregate classification (germline): Uncertain significance (0 of 4 stars; one submission).

Conditions:
BRSK2-related disorder. Also called: BRSK2-related condition; BRSK2-Related Disorders.

gnomAD v4.1: 2 of 1,612,084 alleles (0.00012%); highest among the groups gnomAD compares: South Asian, 0.0011%; no homozygotes.

Submission:

PreventionGenetics, part of Exact Sciences
Classification: Uncertain significance for BRSK2-related condition. Last evaluated: 2024-05-09. Review status: no assertion criteria provided. Collection method: clinical testing. Allele origin: germline.
Comment: The BRSK2 c.916A>G variant is predicted to result in the amino acid substitution p.Met306Val. To our knowledge, this variant has not been reported in the literature. This variant is reported in 0.0033% of alleles in individuals of South Asian descent in gnomAD. At this time, the clinical significance of this variant is uncertain due to the absence of conclusive functional and genetic evidence.